The following is an entry in ClinVar:

NM_000107.3(DDB2):c.701A>G (p.Glu234Gly)

Gene: DDB2 (damage specific DNA binding protein 2; plus strand). Cytogenetic location: 11p11.2.
Variant type: single nucleotide variant.
Coding change: c.701A>G on transcript NM_000107.3 (MANE Select); coding-DNA position 701, A replaced by G.
Protein change: p.Glu234Gly; replaces glutamic acid 234 with glycine.
Molecular consequence: missense variant. On other transcripts: non-coding transcript variant (2), intron variant (2).
Genome position (GRCh38, 1-based): chr11:47,234,671, A>G. VCF-style: chr11-47234671-A-G. GRCh37 (hg19) VCF-style: chr11-47256222-A-G.
Other names: c.701A>G, p.Glu234Gly (NM_001399874.1, NM_001399875.1); c.509A>G, p.Glu170Gly (NM_001399878.1); c.457-3166A>G (NM_001399876.1, NM_001300734.2); short protein forms E170G, E234G.
Identifiers: ClinVar variation 3715356 (VCV003715356.3).

ClinVar aggregate classification (germline): Uncertain significance (1 of 4 stars; one submission).

gnomAD v4.1: 6 of 1,613,940 alleles (0.00037%); highest among the groups gnomAD compares: Admixed American, 0.0017%; no homozygotes.

Submissions (2):

Labcorp Genetics (formerly Invitae), Labcorp
Classification: Uncertain significance. Last evaluated: 2024-05-21. Review status: criteria provided, single submitter. Criteria: Invitae Variant Classification Sherloc (09022015). Collection method: clinical testing. Allele origin: germline.
Comment: This sequence change replaces glutamic acid, which is acidic and polar, with glycine, which is neutral and non-polar, at codon 234 of the DDB2 protein (p.Glu234Gly). This variant is present in population databases (rs775705405, gnomAD 0.01%). This variant has not been reported in the literature in individuals affected with DDB2-related conditions. An algorithm developed to predict the effect of missense changes on protein structure and function (PolyPhen-2) suggests that this variant is likely to be disruptive. In summary, the available evidence is currently insufficient to determine the role of this variant in disease. Therefore, it has been classified as a Variant of Uncertain Significance.

Dr. Peter K. Rogan Lab, Western University
No classification provided (evidence only). Condition: Nonpapillary renal cell carcinoma. Review status: no classification provided. Collection method: in vitro. Allele origin: not applicable. Functional consequence: retained intron. Not counted in ClinVar's aggregate classification.